The following is an entry in ClinVar:

NM_144596.4(TTC8):c.1154G>T (p.Arg385Leu)

Gene: TTC8 (tetratricopeptide repeat domain 8; plus strand). Cytogenetic location: 14q31.3.
Variant type: single nucleotide variant.
Coding change: c.1154G>T on transcript NM_144596.4 (MANE Select); coding-DNA position 1154, G replaced by T.
Protein change: p.Arg385Leu; replaces arginine 385 with leucine.
Molecular consequence: missense variant. On other transcripts: non-coding transcript variant (1).
Genome position (GRCh38, 1-based): chr14:88,871,653, G>T. VCF-style: chr14-88871653-G-T. GRCh37 (hg19) VCF-style: chr14-89337997-G-T.
Other names: c.1202G>T, p.Arg401Leu (NM_001288781.1); c.560G>T, p.Arg187Leu (NM_001288782.1); c.437G>T, p.Arg146Leu (NM_001288783.1); c.1124G>T, p.Arg375Leu (NM_001366535.2, NM_198309.3); c.1034G>T, p.Arg345Leu (NM_001366536.2, NM_198310.3); short protein forms R146L, R187L, R345L, R375L, R385L, R401L.
Identifiers: ClinVar variation 3356471 (VCV003356471.1).

ClinVar aggregate classification (germline): Uncertain significance (0 of 4 stars; one submission).

Conditions:
TTC8-related disorder. Also called: TTC8-related condition.

gnomAD v4.1: 2 of 1,613,954 alleles (0.00012%); highest among the groups gnomAD compares: African/African-American, 0.0013%; no homozygotes.

Submission:

PreventionGenetics, part of Exact Sciences
Classification: Uncertain significance for TTC8-related condition. Last evaluated: 2024-08-13. Review status: no assertion criteria provided. Collection method: clinical testing. Allele origin: germline.
Comment: The TTC8 c.1154G>T variant is predicted to result in the amino acid substitution p.Arg385Leu. To our knowledge, this variant has not been reported in the literature. This variant is reported in 0.00088% of alleles in individuals of European (Non-Finnish) descent in gnomAD. At this time, the clinical significance of this variant is uncertain due to the absence of conclusive functional and genetic evidence.